The following is an entry in ClinVar:

NM_024721.5(ZFHX4):c.9849G>A (p.Gln3283=)

Gene: ZFHX4 (zinc finger homeobox 4; plus strand). Cytogenetic location: 8q21.13.
Variant type: single nucleotide variant.
Coding change: c.9849G>A on transcript NM_024721.5 (MANE Select); coding-DNA position 9849, G replaced by A.
Protein change: p.Gln3283=; no amino-acid change (glutamine 3283 retained).
Molecular consequence: synonymous variant.
Genome position (GRCh38, 1-based): chr8:76,863,563, G>A. VCF-style: chr8-76863563-G-A. GRCh37 (hg19) VCF-style: chr8-77775799-G-A.
Identifiers: ClinVar variation 728115 (VCV000728115.6), dbSNP rs146441632, ClinGen allele CA4788453.

ClinVar aggregate classification (germline): Benign/Likely benign. Review status: criteria provided, multiple submitters, no conflicts (2 of 4 stars). 4 submissions from 4 submitters: Benign (2); Likely benign (2). Last evaluated 2026-09-01.

Allele frequency attached by ClinVar (database versions not stated): gnomAD exomes 0.00025 and 0.00067; ExAC 0.00072; ESP Exome Variant Server 0.00167; 1000 Genomes Project 30x 0.00172; gnomAD 0.00214 and 0.00233; 1000 Genomes Project 0.00220; TOPMed 0.00226.
gnomAD v4.1: 727 of 1,613,738 alleles (0.045%); highest among the groups gnomAD compares: African/African-American, 0.76%; 6 homozygotes.

Submissions (4):

CeGaT Center for Human Genetics Tuebingen
Classification: Likely benign. Last evaluated: 2026-09-01. Review status: criteria provided, single submitter. Criteria: CeGaT Center For Human Genetics Tuebingen Variant Classification Criteria Version 2. Collection method: clinical testing. Allele origin: germline. Affected: yes. Observed: 2 variant alleles.
Comment: ZFHX4: BP4, BP7, BS1

Blueprint Genetics
Classification: Likely benign. Last evaluated: 2024-11-25. Review status: criteria provided, single submitter. Criteria: ACMG Guidelines, 2015. Collection method: clinical testing. Allele origin: germline.

Labcorp Genetics (formerly Invitae), Labcorp
Classification: Benign. Last evaluated: 2018-07-26. Review status: criteria provided, single submitter. Criteria: Invitae Variant Classification Sherloc (09022015). Collection method: clinical testing. Allele origin: germline.

Breakthrough Genomics
Classification: Benign. Review status: criteria provided, single submitter. Criteria: ACMG Guidelines, 2015. Collection method: not provided. Allele origin: germline. Inheritance: Autosomal dominant inheritance. Affected: yes.